The following is an entry in ClinVar:

NM_001394062.1(MACF1):c.4409C>T (p.Thr1470Ile)

Gene: MACF1 (microtubule actin crosslinking factor 1; plus strand). Cytogenetic location: 1p34.3.
Variant type: single nucleotide variant.
Coding change: c.4409C>T on transcript NM_001394062.1 (MANE Select); coding-DNA position 4409, C replaced by T.
Protein change: p.Thr1470Ile; replaces threonine 1470 with isoleucine.
Molecular consequence: missense variant.
Genome position (GRCh38, 1-based): chr1:39,324,665, C>T. VCF-style: chr1-39324665-C-T. GRCh37 (hg19) VCF-style: chr1-39790337-C-T.
Other names: c.4424C>T (NM_012090.4); c.4424C>T, p.Thr1475Ile (NM_012090.5); short protein forms T1475I, T1470I.
Identifiers: ClinVar variation 2913254 (VCV002913254.5), dbSNP rs186908155, ClinGen allele CA780272.

ClinVar aggregate classification (germline): Conflicting classifications of pathogenicity. Review status: criteria provided, conflicting classifications (1 of 4 stars). 3 submissions from 3 submitters: Uncertain significance (1); Likely benign (2). Last evaluated 2025-08-11.

Conditions:
Inborn genetic diseases. Identifiers: MedGen C0950123, MeSH D030342.

Allele frequency attached by ClinVar (database versions not stated): ESP Exome Variant Server 0.00008; TOPMed 0.00012; ExAC 0.00013; gnomAD exomes 0.00018; gnomAD 0.00021; 1000 Genomes Project 0.00060; 1000 Genomes Project 30x 0.00062.
gnomAD v4.1: 287 of 1,613,100 alleles (0.018%); highest among the groups gnomAD compares: Non-Finnish European, 0.02%; no homozygotes.

Submissions (3):

Ambry Genetics
Classification: Likely benign for Inborn genetic diseases. Last evaluated: 2025-08-11. Review status: criteria provided, single submitter. Criteria: Ambry Variant Classification Scheme 2023. Collection method: clinical testing. Allele origin: germline.

Labcorp Genetics (formerly Invitae), Labcorp
Classification: Uncertain significance. Last evaluated: 2024-11-08. Review status: criteria provided, single submitter. Criteria: Invitae Variant Classification Sherloc (09022015). Collection method: clinical testing. Allele origin: germline.
Comment: This sequence change replaces threonine, which is neutral and polar, with isoleucine, which is neutral and non-polar, at codon 1475 of the MACF1 protein (p.Thr1475Ile). This variant is present in population databases (rs186908155, gnomAD 0.06%), and has an allele count higher than expected for a pathogenic variant. This variant has not been reported in the literature in individuals affected with MACF1-related conditions. ClinVar contains an entry for this variant (Variation ID: 2913254). An algorithm developed to predict the effect of missense changes on protein structure and function (PolyPhen-2) suggests that this variant is likely to be tolerated. In summary, the available evidence is currently insufficient to determine the role of this variant in disease. Therefore, it has been classified as a Variant of Uncertain Significance.

Blueprint Genetics
Classification: Likely benign. Last evaluated: 2024-10-03. Review status: criteria provided, single submitter. Criteria: ACMG Guidelines, 2015. Collection method: clinical testing. Allele origin: germline.